The following is an entry in ClinVar:

ClinVar aggregate classification (germline): Uncertain significance (1 of 4 stars; one submission).

Submission:

Dasa
Classification: Uncertain significance. Last evaluated: 2025-08-07. Review status: criteria provided, single submitter. Criteria: DASA Assertion Criteria. Collection method: clinical testing. Allele origin: germline.
Comment: NM_001190274.2(FBXO11):c.1459T>A (p.Tyr487Asn) is a missense variant that results in the substitution of tyrosine with asparagine. This variant is absent from population databases. The currently available literature and clinical evidence are not sufficient to establish a definitive association between this variant and the reported condition. Therefore, this variant is classified as a variant of uncertain significance.

NM_001190274.2(FBXO11):c.1459T>A (p.Tyr487Asn)

Gene: FBXO11 (F-box protein 11; minus strand). Cytogenetic location: 2p16.3.
Variant type: single nucleotide variant.
Coding change: c.1459T>A on transcript NM_001190274.2 (MANE Select); coding-DNA position 1459, T replaced by A.
Protein change: p.Tyr487Asn; replaces tyrosine 487 with asparagine.
Molecular consequence: missense variant.
Genome position (GRCh38, 1-based): chr2:47,823,300, A>T on the plus strand (T>A on the coding strand, the complement: FBXO11 is on the minus strand). VCF-style: chr2-47823300-A-T. GRCh37 (hg19) VCF-style: chr2-48050439-A-T.
Other names: c.1207T>A, p.Tyr403Asn (NM_001374325.1, NM_025133.4); short protein forms Y403N, Y487N.
Identifiers: ClinVar variation 4881951 (VCV004881951.2).
Genomic context (GRCh38, chr2:47,823,300, plus strand): 5'-CATATATTCCTCCAGTCTGCCCATGGTGAATTTCACATCGAACCACTGTAGGGTTAGCAT[A>T]GGCTTTTACTTCAAAGCCTGCTATCCTATTTCTGTGTATATTGCAACTTTCAAAGTAACC-3'
Protein context (NP_001177203.1, residues 477-497): NRIAGFEVKA[Tyr487Asn]ANPTVVRCEI